The following is an entry in ClinVar:

ClinVar aggregate classification (germline): Likely benign. Review status: reviewed by expert panel (3 of 4 stars). 12 submissions from 12 submitters: Likely benign (1). 11 of the submissions do not count toward it. Last evaluated 2024-08-07.

Conditions:
Inborn genetic diseases. Identifiers: MedGen C0950123, MeSH D030342.
Nemaline myopathy. Also called: Myopathies, Nemaline. Identifiers: Orphanet 607, MedGen C0206157, MONDO:0018958.
Limb-girdle muscular dystrophy (LGMD). Also called: Muscular Dystrophies, Limb-Girdle. Identifiers: Orphanet 263, MedGen C0686353, MeSH D049288, MONDO:0016971, HP:0006785.
Nemaline myopathy 2 (NEM2). Also called: Nemaline myopathy 2, autosomal recessive. Identifiers: MedGen C1850569, MONDO:0009725, OMIM 256030.
NEB-related disorder. Also called: NEB-Related Disorders; NEB-related condition.

Allele frequency attached by ClinVar (database versions not stated): gnomAD exomes 0.00039; ExAC 0.00071; 1000 Genomes Project 0.00100; 1000 Genomes Project 30x 0.00141; gnomAD 0.00146 and 0.00162; TOPMed 0.00162; ESP Exome Variant Server 0.00178.
gnomAD v4.1: 409 of 1,558,308 alleles (0.026%); highest among the groups gnomAD compares: African/African-American, 0.53%; 3 homozygotes.

Submissions (12):

ClinGen Congenital Myopathies Variant Curation Expert Panel, ClinGen
Classification: Likely benign for Nemaline myopathy. Last evaluated: 2024-08-07. Review status: reviewed by expert panel. Criteria: ClinGen CongenMyopathy ACMG Specifications NEB V1.0.0. Collection method: curation. Allele origin: germline. Inheritance: Autosomal recessive inheritance.
Comment: The c.18464A>C (p.Tyr6155Ser) variant in NEB is a missense variant predicted to cause substitution of tyrosine by serine at amino acid 6155. The highest population filtering allele frequency in gnomAD v4.1.0 is 0.004863 (391/73822 alleles, 3 homozygotes) in the African/African American population, which is higher than the ClinGen Congenital Myopathies VCEP threshold (MAF≥0.000237) for BS1, and therefore meets this criterion (BS1). The computational predictor REVEL gives a score of 0.271, which is neither above nor below the thresholds predicting a damaging or benign impact on NEB function. In summary, this variant meets the criteria to be classified as likely benign for autosomal recessive nemaline myopathy based on the ACMG/AMP criteria applied, as specified by the ClinGen Congenital Myopathies VCEP: BS1. (Congenital Myopathies VCEP specifications version 1; 8/7/2024)

Labcorp Genetics (formerly Invitae), Labcorp
Classification: Likely benign for Nemaline myopathy 2. Last evaluated: 2026-02-04. Review status: criteria provided, single submitter. Criteria: Invitae Variant Classification Sherloc (09022015). Collection method: clinical testing. Allele origin: germline. Not counted in ClinVar's aggregate classification.

Mayo Clinic Laboratories, Mayo Clinic
Classification: Likely benign. Last evaluated: 2025-03-25. Review status: criteria provided, single submitter. Criteria: ACMG Guidelines, 2015. Collection method: clinical testing. Allele origin: germline. Observed: 1 variant allele. Not counted in ClinVar's aggregate classification.
Comment: BS1, BP4

Blueprint Genetics
Classification: Likely benign. Last evaluated: 2024-08-30. Review status: criteria provided, single submitter. Criteria: ACMG Guidelines, 2015. Collection method: clinical testing. Allele origin: germline. Not counted in ClinVar's aggregate classification.

Ambry Genetics
Classification: Uncertain significance for Inborn genetic diseases. Last evaluated: 2024-02-26. Review status: criteria provided, single submitter. Criteria: Ambry Variant Classification Scheme 2023. Collection method: clinical testing. Allele origin: germline. Not counted in ClinVar's aggregate classification.

GeneDx
Classification: Likely benign. Last evaluated: 2020-04-13. Review status: criteria provided, single submitter. Criteria: GeneDx Variant Classification Process June 2021. Collection method: clinical testing. Allele origin: germline. Affected: yes. Not counted in ClinVar's aggregate classification.

Cambridge Genomics Laboratory, East Genomic Laboratory Hub, NHS Genomic Medicine Service
Classification: Uncertain significance for Limb-girdle muscular dystrophy. Last evaluated: 2019-09-03. Review status: criteria provided, single submitter. Criteria: ACGS Best Practice Guidelines for Variant Classification in Rare Disease 2020. Collection method: clinical testing. Allele origin: germline. Affected: yes. Observed: 1 variant allele. Not counted in ClinVar's aggregate classification.

Athena Diagnostics
Classification: Likely benign. Last evaluated: 2018-06-11. Review status: criteria provided, single submitter. Criteria: Athena Diagnostics Criteria. Collection method: clinical testing. Allele origin: germline. Not counted in ClinVar's aggregate classification.

Illumina Laboratory Services, Illumina
Classification: Likely benign for Nemaline myopathy 2. Last evaluated: 2018-01-12. Review status: criteria provided, single submitter. Criteria: ICSL Variant Classification Criteria 13 December 2019. Collection method: clinical testing. Allele origin: germline. Not counted in ClinVar's aggregate classification.
Comment: This variant was observed in the ICSL laboratory as part of a predisposition screen in an ostensibly healthy population. It had not been previously curated by ICSL or reported in the Human Gene Mutation Database (HGMD: prior to June 1st, 2018), and was therefore a candidate for classification through an automated scoring system. Utilizing variant allele frequency, disease prevalence and penetrance estimates, and inheritance mode, an automated score was calculated to assess if this variant is too frequent to cause the disease. Based on the score and internal cut-off values, a variant classified as likely benign is not then subjected to further curation. The score for this variant resulted in a classification of likely benign for this disease.

Eurofins Ntd Llc (ga)
Classification: Likely benign. Last evaluated: 2017-06-12. Review status: criteria provided, single submitter. Criteria: EGL Classification Definitions 2015. Collection method: clinical testing. Allele origin: germline. Observed: 1 variant allele, 1 heterozygote. Not counted in ClinVar's aggregate classification.

Breakthrough Genomics
Classification: Likely benign. Review status: criteria provided, single submitter. Criteria: ACMG Guidelines, 2015. Collection method: not provided. Allele origin: germline. Inheritance: Autosomal recessive inheritance. Affected: yes. Not counted in ClinVar's aggregate classification.

PreventionGenetics, part of Exact Sciences
Classification: Likely benign for NEB-related condition. Last evaluated: 2019-05-29. Review status: no assertion criteria provided. Collection method: clinical testing. Allele origin: germline. Not counted in ClinVar's aggregate classification.
Comment: This variant is classified as likely benign based on ACMG/AMP sequence variant interpretation guidelines (Richards et al. 2015 PMID: 25741868, with internal and published modifications).

NM_001164508.2(NEB):c.18464A>C (p.Tyr6155Ser)

Gene: NEB (nebulin; minus strand). Cytogenetic location: 2q23.3.
Variant type: single nucleotide variant.
Coding change: c.18464A>C on transcript NM_001164508.2 (MANE Select); coding-DNA position 18464, A replaced by C.
Protein change: p.Tyr6155Ser; replaces tyrosine 6155 with serine.
Molecular consequence: missense variant.
Genome position (GRCh38, 1-based): chr2:151,565,051, T>G on the plus strand (A>C on the coding strand, the complement: NEB is on the minus strand). VCF-style: chr2-151565051-T-G. GRCh37 (hg19) VCF-style: chr2-152421565-T-G.
Other names: NM_001164508.2(NEB):c.18464A>C; p.Tyr6155Ser; c.18464A>C, p.Tyr6155Ser (NM_001164507.2, NM_001271208.2); c.13361A>C, p.Tyr4454Ser (NM_004543.5); short protein forms Y6155S, Y4454S.
Identifiers: ClinVar variation 385695 (VCV000385695.28), dbSNP rs201971223, ClinGen allele CA1907955.
Genomic context (GRCh38, chr2:151,565,051, plus strand): 5'-AACAAGAGCTTCAAATTAGAAATTGAGTGGTTATTACATAAAAGAGAACTTACAGTACTG[T>G]AGAGTTTTCCCATGTCTTTGGAGTGGGAGATATGTGGTGTATCTGGTGAAAACGTATATT-3'
Protein context (NP_001157980.2, residues 6145-6165): ISHSKDMGKL[Tyr6155Ser]STILYKGAWE